The following is an entry in ClinVar:

NM_001378609.3(OTOGL):c.743A>C (p.Asp248Ala)

Gene: OTOGL (otogelin like; plus strand). Cytogenetic location: 12q21.31.
Variant type: single nucleotide variant.
Coding change: c.743A>C on transcript NM_001378609.3 (MANE Select); coding-DNA position 743, A replaced by C.
Protein change: p.Asp248Ala; replaces aspartic acid 248 with alanine.
Molecular consequence: missense variant.
Genome position (GRCh38, 1-based): chr12:80,233,023, A>C. VCF-style: chr12-80233023-A-C. GRCh37 (hg19) VCF-style: chr12-80626803-A-C.
Other names: c.743A>C, p.Asp248Ala (NM_001368062.3, NM_001378610.3, NM_173591.7); short protein forms D248A.
Identifiers: ClinVar variation 1695659 (VCV001695659.5), dbSNP rs759988695, ClinGen allele CA6700246.
Genomic context (GRCh38, chr12:80,233,023, plus strand): 5'-CCTTTGGCTTTTCATTGGCTTGGGACGGGATATCTGGGATCTACCTCAAGCTGTCTGAGG[A>C]CCATAAGGGGAAATCATGTGGCCTATGTGGAAACTACAATGACATTCAATCTGATGATTT-3'
Protein context (NP_001365538.2, residues 238-258): ISGIYLKLSE[Asp248Ala]HKGKSCGLCG

ClinVar aggregate classification (germline): Uncertain significance. Review status: criteria provided, multiple submitters, no conflicts (2 of 4 stars). 2 submissions from 2 submitters: Uncertain significance (2). Last evaluated 2024-12-09.

Conditions:
Inborn genetic diseases. Identifiers: MedGen C0950123, MeSH D030342.

Allele frequency attached by ClinVar (database versions not stated): gnomAD 0.00001; gnomAD exomes 0.00001 and 0.00004; TOPMed 0.00002; ExAC 0.00004.
gnomAD v4.1: 12 of 1,598,534 alleles (0.00075%); highest among the groups gnomAD compares: Admixed American, 0.02%; no homozygotes.

Submissions (2):

GeneDx
Classification: Uncertain significance. Last evaluated: 2024-12-09. Review status: criteria provided, single submitter. Criteria: GeneDx Variant Classification Process June 2021. Collection method: clinical testing. Allele origin: germline. Affected: yes.
Comment: In silico analysis supports that this missense variant has a deleterious effect on protein structure/function; Has not been previously published as pathogenic or benign to our knowledge

Ambry Genetics
Classification: Uncertain significance for Inborn genetic diseases. Last evaluated: 2024-02-21. Review status: criteria provided, single submitter. Criteria: Ambry Variant Classification Scheme 2023. Collection method: clinical testing. Allele origin: germline.